The following is an entry in ClinVar:

NM_023036.6(DNAI2):c.1218_1219del (p.Met407fs)

Gene: DNAI2 (dynein axonemal intermediate chain 2; plus strand). Cytogenetic location: 17q25.1.
Variant type: Microsatellite.
Coding change: c.1218_1219del on transcript NM_023036.6 (MANE Select); coding-DNA positions 1218 to 1219, 2 bases deleted (CA; older notation c.1218_1219delCA).
Protein change: p.Met407fs; shifts the reading frame from methionine 407.
Molecular consequence: frameshift variant. On other transcripts: non-coding transcript variant (1).
Genome position (GRCh38, 1-based): chr17:74,309,259-74,309,260, CA deleted; deleting any 2 consecutive bases within chr17:74,309,257-74,309,260 gives the same sequence; the c. name uses the placement nearest the transcript's 3' end. VCF-style (leftmost placement, unchanged base first): chr17-74309256-CCA-C. GRCh37 (hg19) VCF-style: chr17-72305395-CCA-C.
Other names: c.1218_1219del, p.Met407fs (NM_001172810.3, NM_001353167.2); short protein forms M407fs.
Identifiers: ClinVar variation 4816113 (VCV004816113.1).

ClinVar aggregate classification (germline): Likely pathogenic (1 of 4 stars; one submission).

Conditions:
Primary ciliary dyskinesia. Also called: Ciliary dyskinesia. Identifiers: Orphanet 244, MedGen C0008780, MONDO:0016575, HP:0012265.

Submission:

Natera, Inc.
Classification: Likely pathogenic for Primary ciliary dyskinesia. Last evaluated: 2025-08-25. Review status: criteria provided, single submitter. Criteria: Natera Variant Classification Schema (03/2026). Collection method: clinical testing. Allele origin: germline.
Comment: The c.1218_1219del variant in DNAI2 is a frameshift variant predicted to shift the reading frame beginning at codon 407 and leads to a stop codon 5 codons downstream. This variant is expected to result in nonsense mediated decay, truncation, or a dysfunctional protein product. This variant is rare in the general population with a frequency below the threshold expected for the associated phenotype(s). Given the available evidence, this variant is classified as Likely Pathogenic.